The following is an entry in ClinVar:

ClinVar aggregate classification (germline): Likely benign. Review status: criteria provided, multiple submitters, no conflicts (2 of 4 stars). 2 submissions from 2 submitters: Likely benign (2). Last evaluated 2024-08-20.

gnomAD v4.1: 46 of 1,581,042 alleles (0.0029%); highest among the groups gnomAD compares: Non-Finnish European, 0.0034%; no homozygotes.

Submissions (2):

Blueprint Genetics
Classification: Likely benign. Last evaluated: 2024-08-20. Review status: criteria provided, single submitter. Criteria: ACMG Guidelines, 2015. Collection method: clinical testing. Allele origin: germline.

CeGaT Center for Human Genetics Tuebingen
Classification: Likely benign. Last evaluated: 2024-06-01. Review status: criteria provided, single submitter. Criteria: CeGaT Center For Human Genetics Tuebingen Variant Classification Criteria Version 2. Collection method: clinical testing. Allele origin: germline. Affected: yes. Observed: 1 variant allele.
Comment: PNPLA6: BP4, BP7

NM_001166114.2(PNPLA6):c.189G>C (p.Thr63=)

Gene: PNPLA6 (patatin like domain 6, lysophospholipase; plus strand). Cytogenetic location: 19p13.2.
Variant type: single nucleotide variant.
Coding change: c.189G>C on transcript NM_001166114.2 (MANE Select); coding-DNA position 189, G replaced by C.
Protein change: p.Thr63=; no amino-acid change (threonine 63 retained).
Molecular consequence: synonymous variant.
Genome position (GRCh38, 1-based): chr19:7,535,977, G>C. VCF-style: chr19-7535977-G-C. GRCh37 (hg19) VCF-style: chr19-7600863-G-C.
Other names: c.216G>C, p.Thr72= (NM_001166111.2); c.72G>C, p.Thr24= (NM_001166112.2, NM_001166113.1, NM_006702.5).
Identifiers: ClinVar variation 3250590 (VCV003250590.19), dbSNP rs550795683.